The following is an entry in ClinVar:

ClinVar aggregate classification (germline): Uncertain significance (1 of 4 stars; one submission).

gnomAD v4.1: 15 of 1,613,770 alleles (0.00093%); highest among the groups gnomAD compares: African/African-American, 0.0013%; no homozygotes.

Submission:

GeneDx
Classification: Uncertain significance. Last evaluated: 2025-07-30. Review status: criteria provided, single submitter. Criteria: GeneDx Variant Classification Process June 2021. Collection method: clinical testing. Allele origin: germline. Affected: yes.
Comment: In silico analysis supports that this missense variant has a deleterious effect on protein structure/function; Has not been previously published as pathogenic or benign to our knowledge

NM_019108.4(SMG9):c.1474G>A (p.Glu492Lys)

Gene: SMG9 (SMG9 nonsense mediated mRNA decay factor; minus strand). Cytogenetic location: 19q13.31.
Variant type: single nucleotide variant.
Coding change: c.1474G>A on transcript NM_019108.4 (MANE Select); coding-DNA position 1474, G replaced by A.
Protein change: p.Glu492Lys; replaces glutamic acid 492 with lysine.
Molecular consequence: missense variant.
Genome position (GRCh38, 1-based): chr19:43,732,868, C>T on the plus strand (G>A on the coding strand, the complement: SMG9 is on the minus strand). VCF-style: chr19-43732868-C-T. GRCh37 (hg19) VCF-style: chr19-44237020-C-T.
Other names: short protein forms E492K.
Identifiers: ClinVar variation 4690132 (VCV004690132.1).